The following is an entry in ClinVar:

Single allele

Genes: HPS1 (HPS1 biogenesis of lysosomal organelles complex 3 subunit 1; minus strand), PYROXD2 (pyridine nucleotide-disulphide oxidoreductase domain 2; minus strand). Cytogenetic location: 10q24.2.
Variant type: Complex.
Identifiers: ClinVar variation 4056468 (VCV004056468.1).

ClinVar aggregate classification (germline): Likely pathogenic (1 of 4 stars; one submission).

Conditions:
Hermansky-Pudlak syndrome (HPS). Also called: ALBINISM WITH HEMORRHAGIC DIATHESIS AND PIGMENTED RETICULOENDOTHELIAL CELLS. Identifiers: Orphanet 79430, MedGen C0079504, MONDO:0019312.

Submission:

Broad Center for Mendelian Genomics, Broad Institute of MIT and Harvard
Classification: Likely pathogenic for Hermansky-Pudlak syndrome. Last evaluated: 2025-06-06. Review status: criteria provided, single submitter. Criteria: ACMG/ClinGen CNV Guidelines, 2019. Collection method: curation. Allele origin: unknown. Inheritance: Autosomal recessive inheritance.
Comment: The indel that spans from intron 11 of HPS1 to intron 1 of PXROXD2 was identified, in the compound heterozygous state with a pathogenic variant (VCV000021091.40), in one individual with Hermansky-Pudlak syndrome (PMID: 15952982), and has been identified in 0.002% (1/59088) of European (non-Finnish) chromosomes by the Genome Aggregation Database (gnomAD). Although this variant has been seen in the general population in a heterozygous state, its frequency is low enough to be consistent with a recessive carrier frequency. This indel includes the last 9 exons in HPS1 is predicted to lead to NMD, and this alteration is then predicted to lead to an absent protein. Loss of function of HPS1 is an established disease mechanism in autosomal recessive Hermansky-Pudlak syndrome. In summary, although additional studies are required to fully establish its clinical significance, this variant is likely pathogenic for autosomal recessive Hermansky-Pudlak syndrome. The ACMG/ClinGen evidence codes and points used in this curation are as follows: 1A: 0 points, 2E: 0.90 points, 3A: 0 points, 4E: 0.30 points, 5G: 0 points; Total: 1.2 points; Riggs 2020 (PMID: 31690835).

Literature cited by the submitters: PubMed 15952982.